The following is an entry in ClinVar:

ClinVar aggregate classification (germline): Likely benign. Review status: criteria provided, single submitter (1 of 4 stars). 2 submissions from 2 submitters: Likely benign (1). 1 of the submissions does not count toward it. Last evaluated 2024-02-24.

Conditions:
BPTF-related disorder. Also called: BPTF-related condition.

Allele frequency attached by ClinVar (database versions not stated): gnomAD 0.00012; gnomAD exomes 0.00023; ExAC 0.00005.
gnomAD v4.1: 318 of 1,482,908 alleles (0.021%); highest among the groups gnomAD compares: East Asian, 1.2%; 3 homozygotes.

Submissions (2):

Labcorp Genetics (formerly Invitae), Labcorp
Classification: Likely benign. Last evaluated: 2024-02-24. Review status: criteria provided, single submitter. Criteria: Invitae Variant Classification Sherloc (09022015). Collection method: clinical testing. Allele origin: germline.

PreventionGenetics, part of Exact Sciences
Classification: Likely benign for BPTF-related condition. Last evaluated: 2022-10-24. Review status: no assertion criteria provided. Collection method: clinical testing. Allele origin: germline. Not counted in ClinVar's aggregate classification.
Comment: This variant is classified as likely benign based on ACMG/AMP sequence variant interpretation guidelines (Richards et al. 2015 PMID: 25741868, with internal and published modifications).

NM_182641.4(BPTF):c.8077G>A (p.Val2693Met)

Gene: BPTF (bromodomain PHD finger transcription factor; plus strand). Cytogenetic location: 17q24.2.
Variant type: single nucleotide variant.
Coding change: c.8077G>A on transcript NM_182641.4 (MANE Select); coding-DNA position 8077, G replaced by A.
Protein change: p.Val2693Met; replaces valine 2693 with methionine.
Molecular consequence: missense variant.
Genome position (GRCh38, 1-based): chr17:67,959,691, G>A. VCF-style: chr17-67959691-G-A. GRCh37 (hg19) VCF-style: chr17-65955807-G-A.
Other names: c.8077G>A (NM_182641.3); c.8026G>A, p.Val2676Met (NM_004459.7); short protein forms V2693M, V2676M.
Identifiers: ClinVar variation 2202597 (VCV002202597.6), dbSNP rs782326693, ClinGen allele CA8726522.
Genomic context (GRCh38, chr17:67,959,691, plus strand): 5'-GTGACACCAGCTCCTCCAGCCCCTCCAGCCCCTCCACCTTCACCTCCCCCTCCACCTGCT[G>A]TGCAACACACAGGCCTTCTGTCCACGCCCACCTTACCTGCTGCTTCCCAGAAGAGGAAGC-3'
Protein context (NP_872579.2, residues 2683-2703): PPPSPPPPPA[Val2693Met]QHTGLLSTPT